The following is an entry in ClinVar:

ClinVar aggregate classification (germline): Pathogenic. Review status: criteria provided, single submitter (1 of 4 stars). 2 submissions from 2 submitters: Pathogenic (1). 1 of the submissions does not count toward it. Last evaluated 2023-04-13.

Conditions:
Primary ciliary dyskinesia 29. Also called: CILIARY DYSKINESIA, PRIMARY, 29, WITHOUT SITUS INVERSUS. Identifiers: Orphanet 244, MedGen C4014534, MONDO:0014378, OMIM 615872.
Primary ciliary dyskinesia. Also called: Ciliary dyskinesia. Identifiers: Orphanet 244, MedGen C0008780, MONDO:0016575, HP:0012265.

Submissions (2):

Labcorp Genetics (formerly Invitae), Labcorp
Classification: Pathogenic for Primary ciliary dyskinesia. Last evaluated: 2023-04-13. Review status: criteria provided, single submitter. Criteria: Invitae Variant Classification Sherloc (09022015). Collection method: clinical testing. Allele origin: germline.
Comment: This variant is present in population databases (rs587777503, gnomAD 0.002%). This sequence change creates a premature translational stop signal (p.Leu161Glyfs*73) in the CCNO gene. While this is not anticipated to result in nonsense mediated decay, it is expected to disrupt the last 190 amino acid(s) of the CCNO protein. This premature translational stop signal has been observed in individual(s) with clinical features of primary ciliary dyskinesia (PMID: 24747639, 26777464). For these reasons, this variant has been classified as Pathogenic. This variant disrupts a region of the CCNO protein in which other variant(s) (p.Gln321*) have been determined to be pathogenic (PMID: 24747639, 26139845). This suggests that this is a clinically significant region of the protein, and that variants that disrupt it are likely to be disease-causing. ClinVar contains an entry for this variant (Variation ID: 139611).

OMIM
Classification: Pathogenic for CILIARY DYSKINESIA, PRIMARY, 29. Last evaluated: 2014-06-01. Review status: no assertion criteria provided. Collection method: literature only. Allele origin: germline. Not counted in ClinVar's aggregate classification.

Literature cited by the submitters: PubMed 24747639 (cited by Labcorp Genetics (formerly Invitae), Labcorp and OMIM); PubMed 26777464 (cited by Labcorp Genetics (formerly Invitae), Labcorp); PubMed 26139845 (cited by Labcorp Genetics (formerly Invitae), Labcorp).

NM_021147.5(CCNO):c.481_482del (p.Leu161fs)

Gene: CCNO (cyclin O; minus strand). Cytogenetic location: 5q11.2.
Variant type: Microsatellite.
Coding change: c.481_482del on transcript NM_021147.5 (MANE Select); coding-DNA positions 481 to 482, 2 bases deleted (CT; older notation c.481_482delCT).
Protein change: p.Leu161fs; shifts the reading frame from leucine 161.
Molecular consequence: frameshift variant. On other transcripts: non-coding transcript variant (3).
Genome position (GRCh38, 1-based): chr5:55,232,446-55,232,447, AG deleted on the plus strand (CT on the coding strand, the reverse complement: CCNO is on the minus strand); deleting any 2 consecutive bases within chr5:55,232,446-55,232,449 gives the same sequence; the c. name uses the placement nearest the transcript's 3' end. VCF-style (leftmost placement, unchanged base first): chr5-55232445-CAG-C. GRCh37 (hg19) VCF-style: chr5-54528273-CAG-C.
Other names: short protein forms L161fs.
Identifiers: ClinVar variation 139611 (VCV000139611.4), dbSNP rs587777503, ClinGen allele CA163299.